The following is an entry in ClinVar:

NM_000478.6(ALPL):c.1349G>A (p.Arg450His)

Gene: ALPL (alkaline phosphatase, biomineralization associated; plus strand). Cytogenetic location: 1p36.12.
Variant type: single nucleotide variant.
Coding change: c.1349G>A on transcript NM_000478.6 (MANE Select); coding-DNA position 1349, G replaced by A.
Protein change: p.Arg450His; replaces arginine 450 with histidine.
Molecular consequence: missense variant.
Genome position (GRCh38, 1-based): chr1:21,577,422, G>A. VCF-style: chr1-21577422-G-A. GRCh37 (hg19) VCF-style: chr1-21903915-G-A.
Other names: c.1184G>A, p.Arg395His (NM_001127501.4); c.1118G>A, p.Arg373His (NM_001177520.3); c.1349G>A, p.Arg450His (NM_001369803.2, NM_001369804.2, NM_001369805.2); short protein forms R450H, R395H, R373H.
Identifiers: ClinVar variation 429390 (VCV000429390.31), dbSNP rs150799088, ClinGen allele CA666829.

ClinVar aggregate classification (germline): Uncertain significance. Review status: criteria provided, multiple submitters, no conflicts (2 of 4 stars). 11 submissions from 11 submitters: Uncertain significance (9). 2 of the submissions do not count toward it. Last evaluated 2025-09-24.

Conditions:
Adult hypophosphatasia. Identifiers: Orphanet 247676, Orphanet 436, MedGen C0268413, MONDO:1010154, OMIM 146300, MONDO:0007798.
Childhood hypophosphatasia. Identifiers: Orphanet 247667, Orphanet 436, MedGen C0220743, MONDO:1010168, OMIM 241510, MONDO:0009428.
Infantile hypophosphatasia. Identifiers: Orphanet 247651, Orphanet 436, MedGen C0268412, MONDO:1010169, OMIM 241500, MONDO:0009427.
Hypophosphatasia. Also called: Phosphoethanol-aminuria. Identifiers: Orphanet 436, MedGen C0020630, MeSH D007014, MONDO:0018570.

Allele frequency attached by ClinVar (database versions not stated): gnomAD 0.00001 and 0.00002; TOPMed 0.00002; gnomAD exomes 0.00006 and 0.00008; ESP Exome Variant Server 0.00008; ExAC 0.00009; 1000 Genomes Project 0.00040; 1000 Genomes Project 30x 0.00062.
gnomAD v4.1: 92 of 1,613,154 alleles (0.0057%); highest among the groups gnomAD compares: South Asian, 0.038%; 1 homozygote.

Submissions (11):

Labcorp Genetics (formerly Invitae), Labcorp
Classification: Uncertain significance. Last evaluated: 2025-09-24. Review status: criteria provided, single submitter. Criteria: Invitae Variant Classification Sherloc (09022015). Collection method: clinical testing. Allele origin: germline.
Comment: This sequence change replaces arginine, which is basic and polar, with histidine, which is basic and polar, at codon 450 of the ALPL protein (p.Arg450His). This variant is present in population databases (rs150799088, gnomAD 0.04%). This missense change has been observed in individual(s) with hypophosphatasia (PMID: 10679946). This variant is also known as R433H. ClinVar contains an entry for this variant (Variation ID: 429390). Invitae Evidence Modeling of protein sequence and biophysical properties (such as structural, functional, and spatial information, amino acid conservation, physicochemical variation, residue mobility, and thermodynamic stability) indicates that this missense variant is expected to disrupt ALPL protein function with a positive predictive value of 95%. Experimental studies have shown that this missense change does not substantially affect ALPL function (PMID: 17212778, 32160374). This variant disrupts the p.Arg450 amino acid residue in ALPL. Other variant(s) that disrupt this residue have been determined to be pathogenic (PMID: 9781036, 17212778, 25731960, 29159075). This suggests that this residue is clinically significant, and that variants that disrupt this residue are likely to be disease-causing. In summary, the available evidence is currently insufficient to determine the role of this variant in disease. Therefore, it has been classified as a Variant of Uncertain Significance.

CeGaT Center for Human Genetics Tuebingen
Classification: Uncertain significance. Last evaluated: 2025-09-01. Review status: criteria provided, single submitter. Criteria: CeGaT Center For Human Genetics Tuebingen Variant Classification Criteria Version 2. Collection method: clinical testing. Allele origin: germline. Affected: yes. Observed: 1 variant allele.
Comment: ALPL: PM5

Genomenon, Inc
Classification: Uncertain significance for Hypophosphatasia. Last evaluated: 2025-08-29. Review status: criteria provided, single submitter. Criteria: Genomenon Sequence Variant Interpretation Standards. Collection method: curation. Allele origin: germline. Affected: yes.
Comment: ALPL Arg450His (c.1349G>A) is a missense variant that changes the amino acid at residue 450 from Arginine to Histidine. This variant has been observed in at least one proband affected with hypophosphatasia (PMID:36361766;10679946). Functional studies have been reported;however, the significance of the findings remain unclear (PMID:17212778;32160374). It is absent or not present at a significant frequency in gnomAD. In conclusion, we classify ALPL p.Arg450His (c.1349G>A) as a variant of unknown significance.

Fulgent Genetics
Classification: Uncertain significance for Adult hypophosphatasia; Infantile hypophosphatasia; Childhood hypophosphatasia. Last evaluated: 2024-06-01. Review status: criteria provided, single submitter. Criteria: ACMG Guidelines, 2015. Collection method: clinical testing. Allele origin: germline.

Women's Health and Genetics/Laboratory Corporation of America, LabCorp
Classification: Uncertain significance. Last evaluated: 2022-11-29. Review status: criteria provided, single submitter. Criteria: LabCorp Variant Classification Summary - May 2015. Collection method: clinical testing. Allele origin: germline.
Comment: Variant summary: ALPL c.1349G>A (p.Arg450His) results in a non-conservative amino acid change in the encoded protein sequence. Four of five in-silico tools predict a damaging effect of the variant on protein function. The variant allele was found at a frequency of 7.7e-05 in 246148 control chromosomes in the gnomAD database, including 1 homozygote. This frequency is not significantly higher than estimated for a pathogenic variant in ALPL causing Hypophosphatasia (7.7e-05 vs 0.0035), allowing no conclusion about variant significance. c.1349G>A has been reported in the literature as a compound heterozygous genotype in at-least one individual affected with Odontoid Hypophosphatasia (example Taillandier_2000 cited in Del Angel_2020). These data do not allow any conclusion about variant significance. At least two publications report experimental evidence evaluating an impact on protein function (example, Nasu_2006 and Del Angel_2020). These results showed no damaging effect of this variant on ALPL activity in-vitro. Five clinical diagnostic laboratories have submitted clinical-significance assessments for this variant to ClinVar after 2014 without evidence for independent evaluation. All laboratories classified the variant as uncertain significance. Based on the evidence outlined above, the variant was classified as uncertain significance.

GeneDx
Classification: Uncertain significance. Last evaluated: 2022-05-25. Review status: criteria provided, single submitter. Criteria: GeneDx Variant Classification Process June 2021. Collection method: clinical testing. Allele origin: germline. Affected: yes.
Comment: Identified in a patient with reduced alkaline phosphatase activity who also harbored a second variant (phase unknown) in published literature (Taillandier et al., 2000); Published functional studies demonstrate that this variant does not impact enzyme activity levels (Del Angel et al., 2020; Nasu et al., 2006); In silico analysis supports that this missense variant does not alter protein structure/function; This variant is associated with the following publications: (PMID: 17212778, 16769381, 32160374, 23791648, 10679946, 25023282)

Department of Pathology and Laboratory Medicine, Sinai Health System
Classification: Uncertain significance for Adult hypophosphatasia; Childhood hypophosphatasia; Infantile hypophosphatasia. Last evaluated: 2022-01-21. Review status: criteria provided, single submitter. Criteria: ACMG Guidelines, 2015. Collection method: research. Allele origin: germline.

Genome-Nilou Lab
Classification: Uncertain significance for Infantile hypophosphatasia. Last evaluated: 2021-06-10. Review status: criteria provided, single submitter. Criteria: ACMG Guidelines, 2015. Collection method: clinical testing. Allele origin: germline. Affected: no.

ARUP Laboratories, Molecular Genetics and Genomics, ARUP Laboratories
Classification: Uncertain significance. Last evaluated: 2017-12-11. Review status: criteria provided, single submitter. Criteria: ARUP Molecular Germline Variant Investigation Process. Collection method: clinical testing. Allele origin: germline.
Comment: The ALPL: p.Arg450His variant (also reported as R433H; rs150799088) has been previously reported in a patient with odontohypophosphatasia (Taillandier 2000). The patient described in Taillandier et al (2000) also carried a second rare ALPL variant, but further inheritance information, including the phase of the two ALPL variants was not provided. Function studies of the p.Arg450His variant in cell culture could not identify an enzymatic defect (Nasu 2006), although a different variant in the same codon, p.Arg450Cys, lead to a severe disruption in enzyme function (Nasu 2006). However, the p.Arg450Cys variant has been identified as a homozygote in individuals with severe hypophosphatasia (Mornet 1988), and the function defects described in Nasu et al (2006) are likely attributable to the substituted cysteine residue. Furthermore, the p.Arg450His variant is listed in the Genome Aggregation Database (gnomAD) browser with a frequency in South Asian populations of 0.04% (identified in 13 out of 30,690 chromosomes, including 1 homozygote). Therefore, based on the available information, the clinical significance of the p.Arg450His variant cannot be determined with certainty.

Natera, Inc.
Classification: Uncertain significance for Hypophosphatasia. Last evaluated: 2020-09-16. Review status: no assertion criteria provided. Collection method: clinical testing. Allele origin: germline. Not counted in ClinVar's aggregate classification.

Counsyl
Classification: Uncertain significance for Infantile hypophosphatasia. Last evaluated: 2017-11-14. Review status: no assertion criteria provided. Collection method: clinical testing. Allele origin: unknown. Not counted in ClinVar's aggregate classification.

Literature cited by the submitters: PubMed 10679946 (cited by 4 submitters); PubMed 17212778 (cited by 4 submitters); PubMed 32160374 (cited by 3 submitters); PubMed 9781036 (cited by Labcorp Genetics (formerly Invitae), Labcorp); PubMed 25731960 (cited by Labcorp Genetics (formerly Invitae), Labcorp); PubMed 29159075 (cited by Labcorp Genetics (formerly Invitae), Labcorp); PubMed 36361766 (cited by Genomenon, Inc); PubMed 25023282 (cited by Counsyl).